The following is an entry in ClinVar:

NC_000007.14:g.44123550C>A

Gene: POLD2 (DNA polymerase delta 2, accessory subunit; minus strand). Cytogenetic location: 7p13.
Variant type: single nucleotide variant.
Genome position: GRCh38 VCF-style: chr7-44123550-C-A. GRCh37 (hg19) VCF-style: chr7-44163149-C-A.
Identifiers: ClinVar variation 2820806 (VCV002820806.3), dbSNP rs1583572775, ClinGen allele CA367388808.

ClinVar aggregate classification (germline): Uncertain significance (1 of 4 stars; one submission).

Submission:

Labcorp Genetics (formerly Invitae), Labcorp
Classification: Uncertain significance. Last evaluated: 2023-04-11. Review status: criteria provided, single submitter. Criteria: Invitae Variant Classification Sherloc (09022015). Collection method: clinical testing. Allele origin: germline.
Comment: This sequence change replaces alanine, which is neutral and non-polar, with serine, which is neutral and polar, at codon 4 of the POLD2 protein (p.Ala4Ser). This variant is not present in population databases (gnomAD no frequency). This variant has not been reported in the literature in individuals affected with POLD2-related conditions. Experimental studies and prediction algorithms are not available or were not evaluated, and the functional significance of this variant is currently unknown. In summary, the available evidence is currently insufficient to determine the role of this variant in disease. Therefore, it has been classified as a Variant of Uncertain Significance.